The following is an entry in ClinVar:

NM_005718.5(ARPC4):c.467G>A (p.Arg156His)

Genes: ARPC4 (actin related protein 2/3 complex subunit 4; plus strand), ARPC4-TTLL3 (ARPC4-TTLL3 readthrough; plus strand). Cytogenetic location: 3p25.3.
Variant type: single nucleotide variant.
Coding change: c.467G>A on transcript NM_005718.5 (MANE Select); coding-DNA position 467, G replaced by A.
Protein change: p.Arg156His; replaces arginine 156 with histidine.
Molecular consequence: missense variant. On other transcripts: intron variant (1).
Genome position (GRCh38, 1-based): chr3:9,803,979, G>A. VCF-style: chr3-9803979-G-A. GRCh37 (hg19) VCF-style: chr3-9845663-G-A.
Other names: c.197G>A, p.Arg66His (NM_001024959.3, NM_001024960.3); c.524G>A, p.Arg175His (NM_001198780.3); c.330+2223G>A (NM_001198793.1); short protein forms R156H, R175H, R66H.
Identifiers: ClinVar variation 4854389 (VCV004854389.1).

ClinVar aggregate classification (germline): Uncertain significance (1 of 4 stars; one submission).

Conditions:
Developmental delay, language impairment, and ocular abnormalities (DEVLO). Identifiers: Orphanet 662762, MedGen C5774262, MONDO:0859324, OMIM 620141.

gnomAD v4.1: 1 of 1,614,212 alleles (0.000062%); highest among the groups gnomAD compares: Non-Finnish European, 0.000085%; no homozygotes.

Submission:

3billion
Classification: Uncertain significance for Developmental delay, language impairment, and ocular abnormalities. Last evaluated: 2025-11-19. Review status: criteria provided, single submitter. Criteria: ACMG Guidelines, 2015. Collection method: clinical testing. Allele origin: germline. Affected: yes.
Comment: The variant is observed at an extremely low frequency in the gnomAD v4.1.0 dataset (total allele frequency: <0.001%). Predicted Consequence/Location: Missense variant In silico tool predictions suggest damaging effect of the variant on gene or gene product [REVEL: 0.82 (>=0.6, sensitivity 0.68 and specificity 0.92)]. Therefore, this variant is classified as VUS according to the recommendation of ACMG/AMP guideline.